The following is an entry in ClinVar:

ClinVar aggregate classification (germline): Uncertain significance (1 of 4 stars; one submission).

gnomAD v4.1: 5 of 1,612,622 alleles (0.00031%); highest among the groups gnomAD compares: East Asian, 0.0022%; no homozygotes.

Submission:

Labcorp Genetics (formerly Invitae), Labcorp
Classification: Uncertain significance. Last evaluated: 2024-12-18. Review status: criteria provided, single submitter. Criteria: Invitae Variant Classification Sherloc (09022015). Collection method: clinical testing. Allele origin: germline.
Comment: This sequence change replaces serine, which is neutral and polar, with arginine, which is basic and polar, at codon 69 of the DGKE protein (p.Ser69Arg). This variant is present in population databases (rs747995629, gnomAD 0.006%). This variant has not been reported in the literature in individuals affected with DGKE-related conditions. Invitae Evidence Modeling of protein sequence and biophysical properties (such as structural, functional, and spatial information, amino acid conservation, physicochemical variation, residue mobility, and thermodynamic stability) indicates that this missense variant is not expected to disrupt DGKE protein function with a negative predictive value of 80%. In summary, the available evidence is currently insufficient to determine the role of this variant in disease. Therefore, it has been classified as a Variant of Uncertain Significance.

NM_003647.3(DGKE):c.207C>G (p.Ser69Arg)

Gene: DGKE (diacylglycerol kinase epsilon; plus strand). Cytogenetic location: 17q22.
Variant type: single nucleotide variant.
Coding change: c.207C>G on transcript NM_003647.3 (MANE Select); coding-DNA position 207, C replaced by G.
Protein change: p.Ser69Arg; replaces serine 69 with arginine.
Molecular consequence: missense variant.
Genome position (GRCh38, 1-based): chr17:56,835,002, C>G. VCF-style: chr17-56835002-C-G. GRCh37 (hg19) VCF-style: chr17-54912363-C-G.
Other names: short protein forms S69R.
Identifiers: ClinVar variation 3681882 (VCV003681882.2).
Genomic context (GRCh38, chr17:56,835,002, plus strand): 5'-GCACCGCAGGGACATCTTCCGCAAGAGCAAGCACGGGTGGCGCGACACGGACCTGTTCAG[C>G]CAGCCCACCTACTGCTGCGTGTGCGCGCAGCACATTCTGCAGGGCGCCTTCTGCGACTGC-3'
Protein context (NP_003638.1, residues 59-79): KHGWRDTDLF[Ser69Arg]QPTYCCVCAQ